The following is an entry in ClinVar:

NM_001039672.3(YIF1B):c.539+1G>A

Gene: YIF1B (Yip1 interacting factor homolog B, membrane trafficking protein; minus strand). Cytogenetic location: 19q13.2.
Variant type: single nucleotide variant.
Coding change: c.539+1G>A on transcript NM_001039672.3 (MANE Select); the canonical splice donor site of the intron after coding-DNA position 539, G replaced by A.
Molecular consequence: splice donor variant.
Genome position (GRCh38, 1-based): chr19:38,308,791, C>T on the plus strand (G>A on the coding strand, the complement: YIF1B is on the minus strand). VCF-style: chr19-38308791-C-T. GRCh37 (hg19) VCF-style: chr19-38799431-C-T.
Other names: IVS5DS, G-A, +1; c.530+1G>A (NM_001039673.3, NM_001145463.2); c.446+1G>A (NM_001145462.2); c.488+1G>A (NM_001145461.2); c.494+1G>A (NM_001039671.3).
Identifiers: ClinVar variation 988952 (VCV000988952.5), dbSNP rs564705275, ClinGen allele CA9411978.

ClinVar aggregate classification (germline): Pathogenic. Review status: criteria provided, single submitter (1 of 4 stars). 2 submissions from 2 submitters: Pathogenic (1). 1 of the submissions does not count toward it. Last evaluated 2025-03-07.

Conditions:
Kaya-Barakat-Masson syndrome. Also called: YIF1B-Related Neurodevelopmental Disorder. Identifiers: Orphanet 684240, MedGen C5436856, MONDO:0030878, OMIM 619125.

Allele frequency attached by ClinVar (database versions not stated): TOPMed 0.00003; ExAC 0.00004; gnomAD exomes 0.00004 and 0.00005.
gnomAD v4.1: 74 of 1,613,806 alleles (0.0046%); highest among the groups gnomAD compares: African/African-American, 0.008%; no homozygotes.

Submissions (2):

GeneDx
Classification: Pathogenic. Last evaluated: 2025-03-07. Review status: criteria provided, single submitter. Criteria: GeneDx Variant Classification Process June 2021. Collection method: clinical testing. Allele origin: germline.
Comment: Published functional studies demonstrate a damaging effect resulting in a null allele due to skipping of exon 5 (PMID: 33103737); Canonical splice site variant predicted to result in a null allele in a gene for which loss-of-function is a known mechanism of disease; This variant is associated with the following publications: (PMID: 36139347, 33103737)

OMIM
Classification: Pathogenic for KAYA-BARAKAT-MASSON SYNDROME. Last evaluated: 2020-12-21. Review status: no assertion criteria provided. Collection method: literature only. Allele origin: germline. Not counted in ClinVar's aggregate classification.

Literature cited by the submitters: PubMed 33103737 (cited by OMIM).